The following is an entry in ClinVar:

NM_033409.4(SLC52A3):c.525C>A (p.Ser175Arg)

Gene: SLC52A3 (solute carrier family 52 member 3; minus strand). Cytogenetic location: 20p13.
Variant type: single nucleotide variant.
Coding change: c.525C>A on transcript NM_033409.4 (MANE Select); coding-DNA position 525, C replaced by A.
Protein change: p.Ser175Arg; replaces serine 175 with arginine.
Molecular consequence: missense variant.
Genome position (GRCh38, 1-based): chr20:765,250, G>T on the plus strand (C>A on the coding strand, the complement: SLC52A3 is on the minus strand). VCF-style: chr20-765250-G-T. GRCh37 (hg19) VCF-style: chr20-745894-G-T.
Other names: c.525C>A, p.Ser175Arg (NM_001370085.1, NM_001370086.1); short protein forms S175R.
Identifiers: ClinVar variation 852705 (VCV000852705.7), dbSNP rs143641819, ClinGen allele CA9724759.

ClinVar aggregate classification (germline): Uncertain significance (1 of 4 stars; one submission).

Conditions:
Brown-Vialetto-van Laere syndrome 1. Also called: BROWN-VIALETTO-VAN LAERE SYNDROME 1, MILD; BULBAR PALSY, PROGRESSIVE, WITH SENSORINEURAL DEAFNESS; PONTOBULBAR PALSY WITH DEAFNESS. Identifiers: Orphanet 572550, Orphanet 97229, MedGen C0796274, MONDO:0024537, OMIM 211530.

Allele frequency attached by ClinVar (database versions not stated): TOPMed 0.00001.

Submission:

Labcorp Genetics (formerly Invitae), Labcorp
Classification: Uncertain significance for Brown-Vialetto-van Laere syndrome 1. Last evaluated: 2022-08-15. Review status: criteria provided, single submitter. Criteria: Invitae Variant Classification Sherloc (09022015). Collection method: clinical testing. Allele origin: germline.
Comment: This sequence change replaces serine, which is neutral and polar, with arginine, which is basic and polar, at codon 175 of the SLC52A3 protein (p.Ser175Arg). This variant is present in population databases (rs143641819, gnomAD 0.004%). This variant has not been reported in the literature in individuals affected with SLC52A3-related conditions. ClinVar contains an entry for this variant (Variation ID: 852705). Algorithms developed to predict the effect of missense changes on protein structure and function (SIFT, PolyPhen-2, Align-GVGD) all suggest that this variant is likely to be tolerated. In summary, the available evidence is currently insufficient to determine the role of this variant in disease. Therefore, it has been classified as a Variant of Uncertain Significance.